The following is an entry in ClinVar:

ClinVar aggregate classification (germline): Benign. Review status: criteria provided, multiple submitters, no conflicts (2 of 4 stars). 21 submissions from 21 submitters: Benign (14). 7 of the submissions do not count toward it. Last evaluated 2026-02-04.

Conditions:
Peutz-Jeghers syndrome (PJS). Also called: Peutz-Jeghers polyposis; Periorificial lentiginosis syndrome; POLYPOSIS, HAMARTOMATOUS INTESTINAL; POLYPS-AND-SPOTS SYNDROME. Identifiers: Orphanet 2869, MedGen C0031269, MeSH D010580, MONDO:0008280, OMIM 175200.
Hereditary cancer-predisposing syndrome. Also called: Neoplastic Syndromes, Hereditary; Hereditary Cancer Syndrome; Tumor predisposition; Hereditary neoplastic syndrome. Identifiers: Orphanet 140162, MedGen C0027672, MeSH D009386, MONDO:0015356.

Allele frequency attached by ClinVar (database versions not stated): ESP Exome Variant Server 0.13805; TOPMed 0.14910; gnomAD 0.16357; 1000 Genomes Project 30x 0.16537; 1000 Genomes Project 0.17053.
gnomAD v4.1: 310,641 of 1,565,116 alleles (20%); highest among the groups gnomAD compares: East Asian, 31%; 32,560 homozygotes.

Submissions (21):

Labcorp Genetics (formerly Invitae), Labcorp
Classification: Benign for Peutz-Jeghers syndrome. Last evaluated: 2026-02-04. Review status: criteria provided, single submitter. Criteria: Invitae Variant Classification Sherloc (09022015). Collection method: clinical testing. Allele origin: germline.

ARUP Laboratories, Molecular Genetics and Genomics, ARUP Laboratories
Classification: Benign. Last evaluated: 2025-07-29. Review status: criteria provided, single submitter. Criteria: ARUP Molecular Germline Variant Investigation Process 2024. Collection method: clinical testing. Allele origin: germline.

GeneKor MSA
Classification: Benign for Hereditary cancer-predisposing syndrome. Last evaluated: 2025-07-10. Review status: criteria provided, single submitter. Criteria: ACMG Guidelines, 2015. Collection method: clinical testing. Allele origin: germline.

Myriad Genetics, Inc.
Classification: Benign for Peutz-Jeghers syndrome. Last evaluated: 2025-03-27. Review status: criteria provided, single submitter. Criteria: Myriad Autosomal Dominant, Autosomal Recessive and X-Linked Classification Criteria (2023). Collection method: clinical testing. Allele origin: unknown.
Comment: This variant is considered benign. This variant is intronic and is not expected to impact mRNA splicing. This variant has been observed at a population frequency that is significantly greater than expected given the associated disease prevalence and penetrance.

Blueprint Genetics
Classification: Benign. Last evaluated: 2024-11-28. Review status: criteria provided, single submitter. Criteria: ACMG Guidelines, 2015. Collection method: clinical testing. Allele origin: germline.

KCCC/NGS Laboratory, Kuwait Cancer Control Center
Classification: Benign for Peutz-Jeghers syndrome. Last evaluated: 2023-07-07. Review status: criteria provided, single submitter. Criteria: ACMG Guidelines, 2015. Collection method: clinical testing. Allele origin: germline. Affected: yes.

Genome-Nilou Lab
Classification: Benign for Peutz-Jeghers syndrome. Last evaluated: 2021-07-15. Review status: criteria provided, single submitter. Criteria: ACMG Guidelines, 2015. Collection method: clinical testing. Allele origin: germline. Affected: no.

Illumina Laboratory Services, Illumina
Classification: Benign for Peutz-Jeghers syndrome. Last evaluated: 2018-01-12. Review status: criteria provided, single submitter. Criteria: ICSL Variant Classification Criteria 13 December 2019. Collection method: clinical testing. Allele origin: germline.
Comment: This variant was observed in the ICSL laboratory as part of a predisposition screen in an ostensibly healthy population. It had not been previously curated by ICSL or reported in the Human Gene Mutation Database (HGMD: prior to June 1st, 2018), and was therefore a candidate for classification through an automated scoring system. Utilizing variant allele frequency, disease prevalence and penetrance estimates, and inheritance mode, an automated score was calculated to assess if this variant is too frequent to cause the disease. Based on the score and internal cut-off values, a variant classified as benign is not then subjected to further curation. The score for this variant resulted in a classification of benign for this disease.

Eurofins Ntd Llc (ga)
Classification: Benign. Last evaluated: 2015-10-13. Review status: criteria provided, single submitter. Criteria: EGL Classification Definitions 2015. Collection method: clinical testing. Allele origin: germline. Observed: 21 variant alleles, 18 heterozygotes, 3 homozygotes.

Color Diagnostics, LLC DBA Color Health
Classification: Benign for Hereditary cancer-predisposing syndrome. Last evaluated: 2015-03-31. Review status: criteria provided, single submitter. Criteria: ACMG Guidelines, 2015. Collection method: clinical testing. Allele origin: germline.

GeneDx
Classification: Benign. Last evaluated: 2015-03-03. Review status: criteria provided, single submitter. Criteria: GeneDx Variant Classification Process June 2021. Collection method: clinical testing. Allele origin: germline. Affected: yes.

Ambry Genetics
Classification: Benign for Hereditary cancer-predisposing syndrome. Last evaluated: 2014-11-18. Review status: criteria provided, single submitter. Criteria: Ambry Variant Classification Scheme 2023. Collection method: clinical testing. Allele origin: germline.

Breakthrough Genomics
Classification: Benign. Review status: criteria provided, single submitter. Criteria: ACMG Guidelines, 2015. Collection method: not provided. Allele origin: germline. Inheritance: Autosomal dominant inheritance. Affected: yes.

PreventionGenetics, part of Exact Sciences
Classification: Benign. Review status: criteria provided, single submitter. Criteria: ACMG Guidelines, 2015. Collection method: clinical testing. Allele origin: germline.

Clinical Genetics DNA and cytogenetics Diagnostics Lab, Erasmus MC, Erasmus Medical Center
Classification: Benign. Review status: no assertion criteria provided. Collection method: clinical testing. Allele origin: germline. Affected: yes. Study: VKGL Data-share Consensus. Not counted in ClinVar's aggregate classification.

Clinical Genetics Laboratory, Department of Pathology, Netherlands Cancer Institute
Classification: Benign. Review status: no assertion criteria provided. Collection method: clinical testing. Allele origin: germline. Affected: yes. Study: VKGL Data-share Consensus. Not counted in ClinVar's aggregate classification.

Clinical Genetics, Academic Medical Center
Classification: Benign. Review status: no assertion criteria provided. Collection method: clinical testing. Allele origin: germline. Affected: yes. Study: VKGL Data-share Consensus. Not counted in ClinVar's aggregate classification.

Department of Pathology and Laboratory Medicine, Sinai Health System
Classification: Uncertain significance. Review status: no assertion criteria provided. Collection method: clinical testing. Allele origin: unknown. Affected: yes. Study: The Canadian Open Genetics Repository (COGR). Not counted in ClinVar's aggregate classification.

Diagnostic Laboratory, Department of Genetics, University Medical Center Groningen
Classification: Benign. Review status: no assertion criteria provided. Collection method: clinical testing. Allele origin: germline. Affected: yes. Study: VKGL Data-share Consensus. Not counted in ClinVar's aggregate classification.

Joint Genome Diagnostic Labs from Nijmegen and Maastricht, Radboudumc and MUMC+
Classification: Benign. Review status: no assertion criteria provided. Collection method: clinical testing. Allele origin: germline. Affected: yes. Study: VKGL Data-share Consensus. Not counted in ClinVar's aggregate classification.

Mayo Clinic Laboratories, Mayo Clinic
Classification: Benign. Review status: no assertion criteria provided. Collection method: clinical testing. Allele origin: unknown. Not counted in ClinVar's aggregate classification.

NM_000455.5(STK11):c.920+7G>C

Gene: STK11 (serine/threonine kinase 11; plus strand). Cytogenetic location: 19p13.3.
Variant type: single nucleotide variant.
Coding change: c.920+7G>C on transcript NM_000455.5 (MANE Select); 7 bases into the intron after coding-DNA position 920, G replaced by C.
Molecular consequence: intron variant.
Genome position (GRCh38, 1-based): chr19:1,222,013, G>C. VCF-style: chr19-1222013-G-C. GRCh37 (hg19) VCF-style: chr19-1222012-G-C.
Identifiers: ClinVar variation 93099 (VCV000093099.56), dbSNP rs2075607, ClinGen allele CA023354.